The following is an entry in ClinVar:

NM_014991.6(WDFY3):c.8596G>T (p.Gly2866Cys)

Gene: WDFY3 (WD repeat and FYVE domain containing 3; minus strand). Cytogenetic location: 4q21.23.
Variant type: single nucleotide variant.
Coding change: c.8596G>T on transcript NM_014991.6 (MANE Select); coding-DNA position 8596, G replaced by T.
Protein change: p.Gly2866Cys; replaces glycine 2866 with cysteine.
Molecular consequence: missense variant.
Genome position (GRCh38, 1-based): chr4:84,702,353, C>A on the plus strand (G>T on the coding strand, the complement: WDFY3 is on the minus strand). VCF-style: chr4-84702353-C-A. GRCh37 (hg19) VCF-style: chr4-85623506-C-A.
Other names: short protein forms G2866C.
Identifiers: ClinVar variation 4074594 (VCV004074594.1).

ClinVar aggregate classification (germline): Uncertain significance (1 of 4 stars; one submission).

Submission:

GeneDx
Classification: Uncertain significance. Last evaluated: 2025-02-06. Review status: criteria provided, single submitter. Criteria: GeneDx Variant Classification Process June 2021. Collection method: clinical testing. Allele origin: germline. Affected: yes.
Comment: Not observed at significant frequency in large population cohorts (gnomAD); In silico analysis supports that this missense variant has a deleterious effect on protein structure/function; In silico analysis is inconclusive as to whether the variant alters gene splicing. In the absence of RNA/functional studies, the actual effect of this sequence change is unknown.; Has not been previously published as pathogenic or benign to our knowledge